The following is an entry in ClinVar:

NM_020937.4(FANCM):c.2774C>T (p.Thr925Ile)

Gene: FANCM (FA complementation group M; plus strand). Cytogenetic location: 14q21.2.
Variant type: single nucleotide variant.
Coding change: c.2774C>T on transcript NM_020937.4 (MANE Select); coding-DNA position 2774, C replaced by T.
Protein change: p.Thr925Ile; replaces threonine 925 with isoleucine.
Molecular consequence: missense variant.
Genome position (GRCh38, 1-based): chr14:45,175,528, C>T. VCF-style: chr14-45175528-C-T. GRCh37 (hg19) VCF-style: chr14-45644731-C-T.
Other names: c.2696C>T, p.Thr899Ile (NM_001308133.2); short protein forms T899I, T925I.
Identifiers: ClinVar variation 966067 (VCV000966067.9), dbSNP rs1227468338, ClinGen allele CA389599147.

ClinVar aggregate classification (germline): Uncertain significance. Review status: criteria provided, multiple submitters, no conflicts (2 of 4 stars). 2 submissions from 2 submitters: Uncertain significance (2). Last evaluated 2024-01-08.

Conditions:
Fanconi anemia (FA). Also called: Fanconi's anemia. Identifiers: Orphanet 84, MedGen C0015625, MeSH D005199, MONDO:0019391.

Allele frequency attached by ClinVar (database versions not stated): gnomAD exomes 0.00001 and 0.00006.
gnomAD v4.1: 82 of 1,612,830 alleles (0.0051%); highest among the groups gnomAD compares: Non-Finnish European, 0.007%; no homozygotes.

Submissions (2):

GeneDx
Classification: Uncertain significance. Last evaluated: 2024-01-08. Review status: criteria provided, single submitter. Criteria: GeneDx Variant Classification Process June 2021. Collection method: clinical testing. Allele origin: germline. Affected: yes.
Comment: Not observed at significant frequency in large population cohorts (gnomAD); In silico analysis supports that this missense variant does not alter protein structure/function; Observed in an individual with lung adenocarcinoma (PMID: 26689913); This variant is associated with the following publications: (PMID: 26689913)

Labcorp Genetics (formerly Invitae), Labcorp
Classification: Uncertain significance for Fanconi anemia. Last evaluated: 2023-01-29. Review status: criteria provided, single submitter. Criteria: Invitae Variant Classification Sherloc (09022015). Collection method: clinical testing. Allele origin: germline.
Comment: This sequence change replaces threonine, which is neutral and polar, with isoleucine, which is neutral and non-polar, at codon 925 of the FANCM protein (p.Thr925Ile). This variant is present in population databases (no rsID available, gnomAD 0.002%). This variant has not been reported in the literature in individuals affected with FANCM-related conditions. ClinVar contains an entry for this variant (Variation ID: 966067). Algorithms developed to predict the effect of missense changes on protein structure and function output the following: SIFT: "Tolerated"; PolyPhen-2: "Benign"; Align-GVGD: "Class C0". The isoleucine amino acid residue is found in multiple mammalian species, which suggests that this missense change does not adversely affect protein function. In summary, the available evidence is currently insufficient to determine the role of this variant in disease. Therefore, it has been classified as a Variant of Uncertain Significance.